The following is an entry in ClinVar:

NM_000089.4(COL1A2):c.3946G>A (p.Gly1316Ser)

Gene: COL1A2 (collagen type I alpha 2 chain; plus strand). Cytogenetic location: 7q21.3.
Variant type: single nucleotide variant.
Coding change: c.3946G>A on transcript NM_000089.4 (MANE Select); coding-DNA position 3946, G replaced by A.
Protein change: p.Gly1316Ser; replaces glycine 1316 with serine.
Molecular consequence: missense variant.
Genome position (GRCh38, 1-based): chr7:94,429,422, G>A. VCF-style: chr7-94429422-G-A. GRCh37 (hg19) VCF-style: chr7-94058734-G-A.
Other names: short protein forms G1316S.
Identifiers: ClinVar variation 1310709 (VCV001310709.3), dbSNP rs2115967160, ClinGen allele CA368227095.

ClinVar aggregate classification (germline): Uncertain significance (1 of 4 stars; one submission).

Allele frequency attached by ClinVar (database versions not stated): gnomAD exomes below 0.00001.
gnomAD v4.1: 2 of 1,614,006 alleles (0.00012%); highest among the groups gnomAD compares: Non-Finnish European, 0.00017%; no homozygotes.

Submission:

GeneDx
Classification: Uncertain significance. Last evaluated: 2025-12-24. Review status: criteria provided, single submitter. Criteria: GeneDx Variant Classification Process June 2021. Collection method: clinical testing. Allele origin: germline. Affected: yes.
Comment: Not observed at significant frequency in large population cohorts (gnomAD); In silico analysis supports that this missense variant has a deleterious effect on protein structure/function; Has not been previously published as pathogenic or benign to our knowledge; Not located in the triple helical region, where the majority of pathogenic missense variants occur (HGMD)